The following is an entry in ClinVar:

NM_007194.4(CHEK2):c.1205_1206delinsTC (p.Ala402Val)

Gene: CHEK2 (checkpoint kinase 2; minus strand). Cytogenetic location: 22q12.1.
Variant type: Indel.
Coding change: c.1205_1206delinsTC on transcript NM_007194.4 (MANE Select); coding-DNA positions 1205 to 1206, CT replaced by TC.
Protein change: p.Ala402Val; replaces alanine 402 with valine.
Molecular consequence: missense variant.
Genome position (GRCh38, 1-based): chr22:28,695,763-28,695,764, AG replaced by GA on the plus strand (CT replaced by TC on the coding strand, the reverse complement: CHEK2 is on the minus strand). VCF-style: chr22-28695763-AG-GA. GRCh37 (hg19) VCF-style: chr22-29091751-AG-GA.
Other names: c.1334_1335delCTinsTC, p.Ala445Val (NM_001005735.3); c.542_543delCTinsTC, p.Ala181Val (NM_001257387.3); c.1004_1005delCTinsTC, p.Ala335Val (NM_001349956.3); c.1118_1119delCTinsTC, p.Ala373Val (NM_145862.3); short protein forms A181V, A373V, A402V, A445V, A335V.
Identifiers: ClinVar variation 460792 (VCV000460792.20), dbSNP rs1555913720, ClinGen allele CA658656827.

ClinVar aggregate classification (germline): Uncertain significance. Review status: criteria provided, multiple submitters, no conflicts (2 of 4 stars). 5 submissions from 5 submitters: Uncertain significance (4). 1 of the submissions does not count toward it. Last evaluated 2025-10-19.

Conditions:
Familial cancer of breast. Also called: BREAST CANCER, FAMILIAL; hereditary breast carcinoma; Hereditary breast cancer. Identifiers: Orphanet 227535, MedGen C0346153, MONDO:0016419, OMIM 114480. Disease mechanism: loss of function.
Hereditary cancer-predisposing syndrome. Also called: Neoplastic Syndromes, Hereditary; Tumor predisposition; Hereditary Cancer Syndrome; Hereditary neoplastic syndrome. Identifiers: Orphanet 140162, MedGen C0027672, MeSH D009386, MONDO:0015356.
Malignant tumor of breast. Also called: Malignant breast neoplasm; Cancer breast. Identifiers: MedGen C0006142, MONDO:0007254. Disease mechanism: loss of function.

Submissions (5):

Labcorp Genetics (formerly Invitae), Labcorp
Classification: Uncertain significance for Familial cancer of breast. Last evaluated: 2025-10-19. Review status: criteria provided, single submitter. Criteria: Invitae Variant Classification Sherloc (09022015). Collection method: clinical testing. Allele origin: germline.
Comment: This sequence change replaces alanine, which is neutral and non-polar, with valine, which is neutral and non-polar, at codon 402 of the CHEK2 protein (p.Ala402Val). Information on the frequency of this variant in the gnomAD database is not available, as this variant may be reported differently in the database. This missense change has been observed in individual(s) with breast cancer (PMID: 31882575). ClinVar contains an entry for this variant (Variation ID: 460792). An algorithm developed to predict the effect of missense changes on protein structure and function (PolyPhen-2) suggests that this variant is likely to be tolerated. In summary, the available evidence is currently insufficient to determine the role of this variant in disease. Therefore, it has been classified as a Variant of Uncertain Significance.

Ambry Genetics
Classification: Uncertain significance for Hereditary cancer-predisposing syndrome. Last evaluated: 2025-05-02. Review status: criteria provided, single submitter. Criteria: Ambry Variant Classification Scheme 2023. Collection method: clinical testing. Allele origin: germline.
Comment: The c.1205_1206delCTinsTC variant (also known as p.A402V), located in coding exon 10 of the CHEK2 gene, results from an in-frame deletion of CT and insertion of TC at nucleotide positions 1205 to 1206. This results in the substitution of the alanine residue for a valine residue at codon 402, an amino acid with similar properties. This alteration has been identified in a Norwegian BRCA1/2-negative breast and/or ovarian cancer cohort (Jarhelle E et al. Sci Rep 2019 12;9(1):19986). This variant was also observed in 1/3251 individuals who met eligibility criteria for hereditary breast and ovarian cancer syndrome (Lerner-Ellis J et al. J Cancer Res Clin Oncol, 2021 Mar;147:871-879). This amino acid position is not well conserved in available vertebrate species. In addition, this alteration is predicted to be neutral by in silico analysis (Choi Y et al. PLoS ONE. 2012; 7(10):e46688). Based on the available evidence, the clinical significance of this variant remains unclear.

Color Diagnostics, LLC DBA Color Health
Classification: Uncertain significance for Hereditary cancer-predisposing syndrome. Last evaluated: 2021-07-08. Review status: criteria provided, single submitter. Criteria: ACMG Guidelines, 2015. Collection method: clinical testing. Allele origin: germline.
Comment: This missense variant replaces alanine with valine at codon 402 of the CHEK2 protein. To our knowledge, functional studies have not been reported for this variant. This variant has been reported in an individual affected with breast cancer in the literature (PMID: 31882575). This variant has not been identified in the general population by the Genome Aggregation Database (gnomAD). The available evidence is insufficient to determine the role of this variant in disease conclusively. Therefore, this variant is classified as a Variant of Uncertain Significance.

Quest Diagnostics Nichols Institute San Juan Capistrano
Classification: Uncertain significance. Last evaluated: 2018-11-13. Review status: criteria provided, single submitter. Criteria: Quest Diagnostics criteria. Collection method: clinical testing. Allele origin: germline.

Department of Pathology and Laboratory Medicine, Sinai Health System
Classification: Uncertain significance for Malignant tumor of breast. Review status: no assertion criteria provided. Collection method: clinical testing. Allele origin: unknown. Affected: yes. Study: The Canadian Open Genetics Repository (COGR). Not counted in ClinVar's aggregate classification.
Comment: The CHEK2 p.Ala402Val variant was not identified in the literature nor was it identified in the following databases: dbSNP, Cosmic, MutDB, or the Zhejiang Colon Cancer Database. The variant was identified in the ClinVar database (1x, uncertain significance). The variant was not identified in the control databases: the 1000 Genomes Project, the NHLBI GO Exome Sequencing Project, the Exome Aggregation Consortium (August 8th 2016), or the Genome Aggregation Database (Feb 27, 2017). This variant is an in-frame change that replaces alanine with valine at codon 402; the impact of this alteration on CHEK2 protein function is not known. The p.Ala402 residue is conserved in in mammals but not in more distantly related organisms however computational analyses (PolyPhen-2, SIFT, AlignGVGD, BLOSUM, MutationTaster) do not suggest a high likelihood of impact of the p.Ala402Val variant to the protein; this information is not predictive enough to rule out pathogenicity. The variant occurs outside of the splicing consensus sequence and 1 of 5 in silico or computational prediction software programs (SpliceSiteFinder, MaxEntScan, NNSPLICE, GeneSplicer, HumanSpliceFinder) predict a greater than 10% difference in splicing; this is not very predictive of pathogenicity. In summary, based on the above information the clinical significance of this variant cannot be determined with certainty at this time. This variant is classified as a variant of uncertain significance.

Literature cited by the submitters: PubMed 31882575 (cited by Labcorp Genetics (formerly Invitae), Labcorp); PubMed 32885271 (cited by Ambry Genetics).